The following is an entry in ClinVar:

ClinVar aggregate classification (germline): Uncertain significance (1 of 4 stars; one submission).

gnomAD v4.1: 1 of 1,613,624 alleles (0.000062%); highest among the groups gnomAD compares: Middle Eastern, 0.017%; no homozygotes.

Submission:

GeneDx
Classification: Uncertain significance. Last evaluated: 2024-12-03. Review status: criteria provided, single submitter. Criteria: GeneDx Variant Classification Process June 2021. Collection method: clinical testing. Allele origin: germline. Affected: yes.
Comment: Not observed at significant frequency in large population cohorts (gnomAD); In silico analysis indicates that this missense variant does not alter protein structure/function; Has not been previously published as pathogenic or benign to our knowledge

NM_015178.3(RHOBTB2):c.1945G>A (p.Asp649Asn)

Gene: RHOBTB2 (Rho related BTB domain containing 2; plus strand). Cytogenetic location: 8p21.3.
Variant type: single nucleotide variant.
Coding change: c.1945G>A on transcript NM_015178.3 (MANE Select); coding-DNA position 1945, G replaced by A.
Protein change: p.Asp649Asn; replaces aspartic acid 649 with asparagine.
Molecular consequence: missense variant.
Genome position (GRCh38, 1-based): chr8:23,015,722, G>A. VCF-style: chr8-23015722-G-A. GRCh37 (hg19) VCF-style: chr8-22873235-G-A.
Other names: c.2011G>A, p.Asp671Asn (NM_001160036.2); c.1966G>A, p.Asp656Asn (NM_001160037.2); c.1945G>A, p.Asp649Asn (NM_001374791.1); short protein forms D649N, D656N, D671N.
Identifiers: ClinVar variation 3901567 (VCV003901567.1).
Genomic context (GRCh38, chr8:23,015,722, plus strand): 5'-GACTGGTGTCTCCACCACATCTGCACCAACTACAACAACGTGTGCCGCAAGTTCCCCCGA[G>A]ACATGAAGGCCATGTCCCCAGGTGAGCATCGGGGCCAGTCCTGGCAGTACCTGCTGCCCT-3'
Protein context (NP_055993.2, residues 639-659): YNNVCRKFPR[Asp649Asn]MKAMSPENQE